The following is an entry in ClinVar:

NM_000548.5(TSC2):c.1831C>G (p.Arg611Gly)

Gene: TSC2 (TSC complex subunit 2; plus strand). Cytogenetic location: 16p13.3.
Variant type: single nucleotide variant.
Coding change: c.1831C>G on transcript NM_000548.5 (MANE Select); coding-DNA position 1831, C replaced by G.
Protein change: p.Arg611Gly; replaces arginine 611 with glycine.
Molecular consequence: missense variant.
Genome position (GRCh38, 1-based): chr16:2,070,570, C>G. VCF-style: chr16-2070570-C-G. GRCh37 (hg19) VCF-style: chr16-2120571-C-G.
Other names: c.1831C>G, p.Arg611Gly (NM_001077183.3, NM_001114382.3, NM_001363528.2 and 3 more transcripts); c.1720C>G, p.Arg574Gly (NM_001318827.2); c.1684C>G, p.Arg562Gly (NM_001318829.2); c.1231C>G, p.Arg411Gly (NM_001318831.2); c.1864C>G, p.Arg622Gly (NM_001318832.2); c.1831C>G (NM_000548.4); short protein forms R611G, R574G, R622G, R562G, R411G.
Identifiers: ClinVar variation 49177 (VCV000049177.9), dbSNP rs45469298, ClinGen allele CA015905.

ClinVar aggregate classification (germline): Pathogenic. Review status: criteria provided, multiple submitters, no conflicts (2 of 4 stars). 4 submissions from 4 submitters: Pathogenic (3). 1 of the submissions does not count toward it. Last evaluated 2025-02-18.

Conditions:
Tuberous sclerosis syndrome (TSC). Also called: Tuberous Sclerosis Complex; Tuberous sclerosis. Identifiers: Orphanet 805, MedGen C0041341, MONDO:0001734.
Tuberous sclerosis 2 (TSC2). Identifiers: Orphanet 805, MedGen C1860707, MONDO:0013199, OMIM 613254.

Submissions (4):

Clinical Genetics Laboratory, Skane University Hospital Lund
Classification: Pathogenic for Tuberous sclerosis syndrome. Last evaluated: 2025-02-18. Review status: criteria provided, single submitter. Criteria: ACMG Guidelines, 2015. Collection method: clinical testing. Allele origin: de novo. Affected: yes.
Comment: ACMG criteria used: PS2, PS4_Supporting, PM2, PM5, PP3

Labcorp Genetics (formerly Invitae), Labcorp
Classification: Pathogenic for Tuberous sclerosis 2. Last evaluated: 2020-03-24. Review status: criteria provided, single submitter. Criteria: Invitae Variant Classification Sherloc (09022015). Collection method: clinical testing. Allele origin: germline.
Comment: This variant has been reported in individual(s) with tuberous sclerosis complex (PMID: 21520333, Invitae). In at least one individual the variant was observed to be de novo. ClinVar contains an entry for this variant (Variation ID: 49177). For these reasons, this variant has been classified as Pathogenic. This variant disrupts the p.Arg611 amino acid residue in TSC2. Other variant(s) that disrupt this residue have been determined to be pathogenic (PMID: 9463313, 17304050, 11741832, 21309039). This suggests that this residue is clinically significant, and that variants that disrupt this residue are likely to be disease-causing. Algorithms developed to predict the effect of missense changes on protein structure and function (SIFT, PolyPhen-2, Align-GVGD) all suggest that this variant is likely to be disruptive, but these predictions have not been confirmed by published functional studies and their clinical significance is uncertain. This variant is not present in population databases (ExAC no frequency). This sequence change replaces arginine with glycine at codon 611 of the TSC2 protein (p.Arg611Gly). The arginine residue is highly conserved and there is a moderate physicochemical difference between arginine and glycine.

Clinical Genetics Service, Universitary Hospital 12 de Octubre
Classification: Pathogenic for Tuberous sclerosis 2. Review status: criteria provided, single submitter. Criteria: ACMG Guidelines, 2015. Collection method: clinical testing. Allele origin: de novo. Affected: yes.

Tuberous sclerosis database (TSC2)
No classification provided. Condition: TSC. Review status: no classification provided. Criteria: Tuberous Sclerosis Database Assertion Criteria 2015. Collection method: curation. Allele origin: germline. Affected: yes. Not counted in ClinVar's aggregate classification.

Literature cited by the submitters: PubMed 21520333 (cited by Labcorp Genetics (formerly Invitae), Labcorp); PubMed 9463313 (cited by Labcorp Genetics (formerly Invitae), Labcorp); PubMed 17304050 (cited by Labcorp Genetics (formerly Invitae), Labcorp); PubMed 11741832 (cited by Labcorp Genetics (formerly Invitae), Labcorp); PubMed 21309039 (cited by Labcorp Genetics (formerly Invitae), Labcorp).